The following is an entry in ClinVar:

ClinVar aggregate classification (germline): Uncertain significance (1 of 4 stars; one submission).

Submission:

Labcorp Genetics (formerly Invitae), Labcorp
Classification: Uncertain significance. Last evaluated: 2025-10-19. Review status: criteria provided, single submitter. Criteria: Invitae Variant Classification Sherloc (09022015). Collection method: clinical testing. Allele origin: germline.
Comment: This sequence change replaces glutamic acid, which is acidic and polar, with lysine, which is basic and polar, at codon 570 of the FAM186B protein (p.Glu570Lys). This variant is not present in population databases (gnomAD no frequency). This variant has not been reported in the literature in individuals affected with FAM186B-related conditions. An algorithm developed to predict the effect of missense changes on protein structure and function outputs the following: PolyPhen-2: "Benign". The lysine amino acid residue is found in multiple mammalian species, which suggests that this missense change does not adversely affect protein function. In summary, the available evidence is currently insufficient to determine the role of this variant in disease. Therefore, it has been classified as a Variant of Uncertain Significance.

NM_032130.3(FAM186B):c.1708G>A (p.Glu570Lys)

Gene: FAM186B (family with sequence similarity 186 member B; minus strand). Cytogenetic location: 12q13.12.
Variant type: single nucleotide variant.
Coding change: c.1708G>A on transcript NM_032130.3 (MANE Select); coding-DNA position 1708, G replaced by A.
Protein change: p.Glu570Lys; replaces glutamic acid 570 with lysine.
Molecular consequence: missense variant. On other transcripts: non-coding transcript variant (1).
Genome position (GRCh38, 1-based): chr12:49,599,932, C>T on the plus strand (G>A on the coding strand, the complement: FAM186B is on the minus strand). VCF-style: chr12-49599932-C-T. GRCh37 (hg19) VCF-style: chr12-49993715-C-T.
Other names: short protein forms E570K.
Identifiers: ClinVar variation 4710374 (VCV004710374.1).